The following is an entry in ClinVar:

NM_001830.4(CLCN4):c.1079G>A (p.Arg360His)

Gene: CLCN4 (chloride voltage-gated channel 4; plus strand). Cytogenetic location: Xp22.2.
Variant type: single nucleotide variant.
Coding change: c.1079G>A on transcript NM_001830.4 (MANE Select); coding-DNA position 1079, G replaced by A.
Protein change: p.Arg360His; replaces arginine 360 with histidine.
Molecular consequence: missense variant.
Genome position (GRCh38, 1-based): chrX:10,208,280, G>A. VCF-style: chrX-10208280-G-A. GRCh37 (hg19) VCF-style: chrX-10176320-G-A.
Other names: c.797G>A, p.Arg266His (NM_001256944.2); short protein forms R266H, R360H.
Identifiers: ClinVar variation 3360698 (VCV003360698.1).

ClinVar aggregate classification (germline): Likely pathogenic (1 of 4 stars; one submission).

gnomAD v4.1: 1 of 1,211,373 alleles (0.000083%); highest among the groups gnomAD compares: African/African-American, 0.0017%; no homozygotes.

Submission:

GeneDx
Classification: Likely pathogenic. Last evaluated: 2023-07-05. Review status: criteria provided, single submitter. Criteria: GeneDx Variant Classification Process June 2021. Collection method: clinical testing. Allele origin: germline. Affected: yes.
Comment: In silico analysis supports that this missense variant has a deleterious effect on protein structure/function; Has not been previously published as pathogenic or benign to our knowledge